The following is an entry in ClinVar:

ClinVar aggregate classification (germline): Benign/Likely benign. Review status: criteria provided, multiple submitters, no conflicts (2 of 4 stars). 6 submissions from 6 submitters: Benign (2); Likely benign (3). 1 of the submissions does not count toward it. Last evaluated 2025-12-30.

Conditions:
SIL1-related disorder. Also called: SIL1-related condition.
Marinesco-Sjögren syndrome (MSS). Also called: Marinesco-SjÃ¶gren syndrome; Marinesco-Sjogren Syndrome. Identifiers: Orphanet 559, MedGen C0024814, MONDO:0009567, OMIM 248800.

Allele frequency attached by ClinVar (database versions not stated): ESP Exome Variant Server 0.00008; 1000 Genomes Project 30x 0.00016; gnomAD exomes 0.00017 and 0.00065; gnomAD 0.00018 and 0.00020; 1000 Genomes Project 0.00020; TOPMed 0.00052; ExAC 0.00065.
gnomAD v4.1: 281 of 1,613,506 alleles (0.017%); highest among the groups gnomAD compares: Admixed American, 0.32%; 1 homozygote.

Submissions (6):

Labcorp Genetics (formerly Invitae), Labcorp
Classification: Benign for Marinesco-Sjögren syndrome. Last evaluated: 2025-12-30. Review status: criteria provided, single submitter. Criteria: Invitae Variant Classification Sherloc (09022015). Collection method: clinical testing. Allele origin: germline.

Blueprint Genetics
Classification: Likely benign. Last evaluated: 2024-08-30. Review status: criteria provided, single submitter. Criteria: ACMG Guidelines, 2015. Collection method: clinical testing. Allele origin: germline.

Athena Diagnostics
Classification: Benign. Last evaluated: 2023-12-13. Review status: criteria provided, single submitter. Criteria: Athena Diagnostics Criteria. Collection method: clinical testing. Allele origin: unknown.

Eurofins Ntd Llc (ga)
Classification: Likely benign. Last evaluated: 2015-08-07. Review status: criteria provided, single submitter. Criteria: EGL Classification Definitions 2015. Collection method: clinical testing. Allele origin: germline. Observed: 1 variant allele, 1 heterozygote.

Center for Pediatric Genomic Medicine, Children's Mercy Hospital and Clinics
Classification: Likely benign. Last evaluated: 2015-06-15. Review status: criteria provided, single submitter. Criteria: ACMG Guidelines, 2015. Collection method: clinical testing. Allele origin: germline.
ClinVar note: Converted during submission from Likely Benign to Likely benign.

PreventionGenetics, part of Exact Sciences
Classification: Likely benign for SIL1-related condition. Last evaluated: 2020-10-27. Review status: no assertion criteria provided. Collection method: clinical testing. Allele origin: germline. Not counted in ClinVar's aggregate classification.
Comment: This variant is classified as likely benign based on ACMG/AMP sequence variant interpretation guidelines (Richards et al. 2015 PMID: 25741868, with internal and published modifications).

NM_022464.5(SIL1):c.1232G>A (p.Arg411His)

Gene: SIL1 (SIL1 nucleotide exchange factor; minus strand). Cytogenetic location: 5q31.2.
Variant type: single nucleotide variant.
Coding change: c.1232G>A on transcript NM_022464.5 (MANE Select); coding-DNA position 1232, G replaced by A.
Protein change: p.Arg411His; replaces arginine 411 with histidine.
Molecular consequence: missense variant.
Genome position (GRCh38, 1-based): chr5:138,947,271, C>T on the plus strand (G>A on the coding strand, the complement: SIL1 is on the minus strand). VCF-style: chr5-138947271-C-T. GRCh37 (hg19) VCF-style: chr5-138282960-C-T.
Other names: c.1232G>A, p.Arg411His (NM_001037633.2); short protein forms R411H.
Identifiers: ClinVar variation 235533 (VCV000235533.22), dbSNP rs192255604, ClinGen allele CA3432341.